The following is an entry in ClinVar:

ClinVar aggregate classification (germline): Uncertain significance (1 of 4 stars; one submission).

Submission:

Labcorp Genetics (formerly Invitae), Labcorp
Classification: Uncertain significance. Last evaluated: 2022-07-19. Review status: criteria provided, single submitter. Criteria: Invitae Variant Classification Sherloc (09022015). Collection method: clinical testing. Allele origin: germline.
Comment: In summary, the available evidence is currently insufficient to determine the role of this variant in disease. Therefore, it has been classified as a Variant of Uncertain Significance. Algorithms developed to predict the effect of missense changes on protein structure and function are either unavailable or do not agree on the potential impact of this missense change (SIFT: "Deleterious"; PolyPhen-2: "Probably Damaging"; Align-GVGD: "Class C0"). This variant has not been reported in the literature in individuals affected with LAMA1-related conditions. This variant is not present in population databases (gnomAD no frequency). This sequence change replaces cysteine, which is neutral and slightly polar, with tryptophan, which is neutral and slightly polar, at codon 998 of the LAMA1 protein (p.Cys998Trp).

NM_005559.4(LAMA1):c.2994T>G (p.Cys998Trp)

Gene: LAMA1 (laminin subunit alpha 1; minus strand). Cytogenetic location: 18p11.31.
Variant type: single nucleotide variant.
Coding change: c.2994T>G on transcript NM_005559.4 (MANE Select); coding-DNA position 2994, T replaced by G.
Protein change: p.Cys998Trp; replaces cysteine 998 with tryptophan.
Molecular consequence: missense variant.
Genome position (GRCh38, 1-based): chr18:7,015,854, A>C on the plus strand (T>G on the coding strand, the complement: LAMA1 is on the minus strand). VCF-style: chr18-7015854-A-C. GRCh37 (hg19) VCF-style: chr18-7015853-A-C.
Other names: short protein forms C998W.
Identifiers: ClinVar variation 1718392 (VCV001718392.5), dbSNP rs2510073306, ClinGen allele CA401850688.